The following is an entry in ClinVar:

NC_000014.8:g.(?_76156515)_(76156685_?)del

Gene: TTLL5 (tubulin tyrosine ligase like 5; plus strand). Cytogenetic location: 14q24.3.
Variant type: Deletion.
Identifiers: ClinVar variation 2426051 (VCV002426051.4).

ClinVar aggregate classification (germline): Pathogenic (1 of 4 stars; one submission).

Submission:

Labcorp Genetics (formerly Invitae), Labcorp
Classification: Pathogenic. Last evaluated: 2022-05-03. Review status: criteria provided, single submitter. Criteria: Invitae Variant Classification Sherloc (09022015). Collection method: clinical testing. Allele origin: germline.
Comment: This variant is a gross deletion of the genomic region encompassing exon(s) 6 of the TTLL5 gene. This deletion is out-of-frame, and is expected to create a premature termination codon and result in an absent or disrupted protein product. Loss-of-function variants in TTLL5 are known to be pathogenic (PMID: 24791901, 27162334). This variant has not been reported in the literature in individuals affected with TTLL5-related conditions. For these reasons, this variant has been classified as Pathogenic.

Literature cited by the submitters: PubMed 24791901; PubMed 27162334.